The following is an entry in ClinVar:

ClinVar aggregate classification (germline): Uncertain significance (1 of 4 stars; one submission).

Conditions:
Hypertrophic cardiomyopathy. Also called: HYPERTROPHIC MYOCARDIOPATHY. Identifiers: Orphanet 217569, MedGen C0007194, MeSH D002312, MONDO:0005045, HP:0001639.

Submission:

Labcorp Genetics (formerly Invitae), Labcorp
Classification: Uncertain significance for Hypertrophic cardiomyopathy. Last evaluated: 2024-07-02. Review status: criteria provided, single submitter. Criteria: Invitae Variant Classification Sherloc (09022015). Collection method: clinical testing. Allele origin: germline.
Comment: This sequence change replaces phenylalanine, which is neutral and non-polar, with serine, which is neutral and polar, at codon 336 of the MYH7 protein (p.Phe336Ser). This variant is not present in population databases (gnomAD no frequency). This variant has not been reported in the literature in individuals affected with MYH7-related conditions. Advanced modeling of protein sequence and biophysical properties (such as structural, functional, and spatial information, amino acid conservation, physicochemical variation, residue mobility, and thermodynamic stability) performed at Invitae indicates that this missense variant is expected to disrupt MYH7 protein function with a positive predictive value of 95%. In summary, the available evidence is currently insufficient to determine the role of this variant in disease. Therefore, it has been classified as a Variant of Uncertain Significance.

NM_000257.4(MYH7):c.1007T>C (p.Phe336Ser)

Gene: MYH7 (myosin heavy chain 7; minus strand). Cytogenetic location: 14q11.2.
Variant type: single nucleotide variant.
Coding change: c.1007T>C on transcript NM_000257.4 (MANE Select); coding-DNA position 1007, T replaced by C.
Protein change: p.Phe336Ser; replaces phenylalanine 336 with serine.
Molecular consequence: missense variant.
Genome position (GRCh38, 1-based): chr14:23,429,906, A>G on the plus strand (T>C on the coding strand, the complement: MYH7 is on the minus strand). VCF-style: chr14-23429906-A-G. GRCh37 (hg19) VCF-style: chr14-23899115-A-G.
Other names: c.1007T>C, p.Phe336Ser (NM_001407004.1); short protein forms F336S.
Identifiers: ClinVar variation 3636051 (VCV003636051.2).